The following is an entry in ClinVar:

ClinVar aggregate classification (germline): Conflicting classifications of pathogenicity. Review status: criteria provided, conflicting classifications (1 of 4 stars). 2 submissions from 2 submitters: Uncertain significance (1); Benign (1). Last evaluated 2025-11-02.

Conditions:
Cornelia de Lange syndrome 1 (CDLS1). Also called: Brachmann de Lange syndrome; NIPBL-Related Cornelia de Lange Syndrome; TYPUS DEGENERATIVUS AMSTELODAMENSIS. Identifiers: Orphanet 199, MedGen C4551851, MONDO:0007387, OMIM 122470.

Allele frequency attached by ClinVar (database versions not stated): TOPMed below 0.00001; gnomAD exomes 0.00001.
gnomAD v4.1: 14 of 1,612,018 alleles (0.00087%); highest among the groups gnomAD compares: Non-Finnish European, 0.0012%; no homozygotes.

Submissions (2):

Labcorp Genetics (formerly Invitae), Labcorp
Classification: Uncertain significance for Cornelia de Lange syndrome 1. Last evaluated: 2025-11-02. Review status: criteria provided, single submitter. Criteria: Invitae Variant Classification Sherloc (09022015). Collection method: clinical testing. Allele origin: germline.
Comment: This sequence change replaces isoleucine, which is neutral and non-polar, with valine, which is neutral and non-polar, at codon 1206 of the NIPBL protein (p.Ile1206Val). This variant is not present in population databases (gnomAD no frequency). This variant has not been reported in the literature in individuals affected with NIPBL-related conditions. ClinVar contains an entry for this variant (Variation ID: 159091). Invitae Evidence Modeling of protein sequence and biophysical properties (such as structural, functional, and spatial information, amino acid conservation, physicochemical variation, residue mobility, and thermodynamic stability) indicates that this missense variant is not expected to disrupt NIPBL protein function with a negative predictive value of 95%. In summary, the available evidence is currently insufficient to determine the role of this variant in disease. Therefore, it has been classified as a Variant of Uncertain Significance.

Genetic Services Laboratory, University of Chicago
Classification: Benign. Last evaluated: 2013-02-08. Review status: criteria provided, single submitter. Criteria: ACMG Guidelines, 2007. Collection method: clinical testing. Allele origin: germline. Inheritance: Autosomal dominant inheritance.

NM_133433.4(NIPBL):c.3616A>G (p.Ile1206Val)

Gene: NIPBL (NIPBL cohesin loading factor; plus strand). Cytogenetic location: 5p13.2.
Variant type: single nucleotide variant.
Coding change: c.3616A>G on transcript NM_133433.4 (MANE Select); coding-DNA position 3616, A replaced by G.
Protein change: p.Ile1206Val; replaces isoleucine 1206 with valine.
Molecular consequence: missense variant.
Genome position (GRCh38, 1-based): chr5:37,001,030, A>G. VCF-style: chr5-37001030-A-G. GRCh37 (hg19) VCF-style: chr5-37001132-A-G.
Other names: c.3616A>G, p.Ile1206Val (NM_015384.5); short protein forms I1206V.
Identifiers: ClinVar variation 159091 (VCV000159091.7), dbSNP rs587783929, ClinGen allele CA172688.
Genomic context (GRCh38, chr5:37,001,030, plus strand): 5'-ATATTTTTCTCTCTTGCAGAAATGATGGACTCTTCAACTTTTAAGAGATTCACAGCCTCA[A>G]TAGAGAATATTTTGGATAATTTGGAAGATATGGATTTTACTGCGTTTGGTAAAATCAACT-3'
Protein context (NP_597677.2, residues 1196-1216): SSTFKRFTAS[Ile1206Val]ENILDNLEDM